The following is an entry in ClinVar:

ClinVar aggregate classification (germline): Uncertain significance (1 of 4 stars; one submission).

Submission:

CeGaT Center for Human Genetics Tuebingen
Classification: Uncertain significance. Last evaluated: 2026-04-01. Review status: criteria provided, single submitter. Criteria: CeGaT Center For Human Genetics Tuebingen Variant Classification Criteria Version 2. Collection method: clinical testing. Allele origin: germline. Affected: yes. Observed: 1 variant allele.
Comment: EZH2: PM2, BP4

NM_004456.5(EZH2):c.1546+6C>T

Gene: EZH2 (enhancer of zeste 2 polycomb repressive complex 2 subunit; minus strand). Cytogenetic location: 7q36.1.
Variant type: single nucleotide variant.
Coding change: c.1546+6C>T on transcript NM_004456.5 (MANE Select); 6 bases into the intron after coding-DNA position 1546, C replaced by T.
Molecular consequence: intron variant.
Genome position (GRCh38, 1-based): chr7:148,815,500, G>A on the plus strand (C>T on the coding strand, the complement: EZH2 is on the minus strand). VCF-style: chr7-148815500-G-A. GRCh37 (hg19) VCF-style: chr7-148512592-G-A.
Other names: c.1504+6C>T (NM_001203248.2, NM_001203249.2); c.1414+6C>T (NM_152998.3); c.1531+6C>T (NM_001203247.2).
Identifiers: ClinVar variation 4874758 (VCV004874758.2).